The following is an entry in ClinVar:

NM_024642.5(GALNT12):c.1590G>A (p.Lys530=)

Gene: GALNT12 (polypeptide N-acetylgalactosaminyltransferase 12; plus strand). Cytogenetic location: 9q22.33.
Variant type: single nucleotide variant.
Coding change: c.1590G>A on transcript NM_024642.5 (MANE Select); coding-DNA position 1590, G replaced by A.
Protein change: p.Lys530=; no amino-acid change (lysine 530 retained).
Molecular consequence: synonymous variant.
Genome position (GRCh38, 1-based): chr9:98,846,108, G>A. VCF-style: chr9-98846108-G-A. GRCh37 (hg19) VCF-style: chr9-101608390-G-A.
Identifiers: ClinVar variation 4876183 (VCV004876183.1).

ClinVar aggregate classification (germline): Benign (1 of 4 stars; one submission).

Conditions:
Colorectal cancer, susceptibility to, 1. Also called: COLORECTAL ADENOMA AND CANCER, SUSCEPTIBILITY TO; COLORECTAL CANCER, SUSCEPTIBILITY TO, ON CHROMOSOME 9. Identifiers: MedGen C1837315, MONDO:0012132, OMIM 608812.

Submission:

Myriad Genetics, Inc.
Classification: Benign for Colorectal cancer, susceptibility to, 1. Last evaluated: 2026-04-27. Review status: criteria provided, single submitter. Criteria: Myriad Autosomal Dominant, Autosomal Recessive and X-Linked Classification Criteria (2023). Collection method: clinical testing. Allele origin: unknown.
Comment: This variant is considered benign. This variant is a silent/synonymous amino acid change and it is not expected to impact splicing.